The following is an entry in ClinVar:

ClinVar aggregate classification (germline): Benign. Review status: criteria provided, multiple submitters, no conflicts (2 of 4 stars). 3 submissions from 3 submitters: Benign (3). Last evaluated 2024-01-24.

Allele frequency attached by ClinVar (database versions not stated): ESP Exome Variant Server 0.18443; 1000 Genomes Project 0.19489; 1000 Genomes Project 30x 0.19675; gnomAD 0.20999; TOPMed 0.21393; ExAC 0.23280; gnomAD exomes 0.24095 and 0.24184.
gnomAD v4.1: 381,919 of 1,597,690 alleles (24%); highest among the groups gnomAD compares: Admixed American, 32%; 46,751 homozygotes.

Submissions (3):

Unidad de Genómica Garrahan, Hospital de Pediatría Garrahan
Classification: Benign. Last evaluated: 2024-01-24. Review status: criteria provided, single submitter. Criteria: ACMG Guidelines, 2015. Collection method: clinical testing. Allele origin: germline. Affected: no. Observed: 44 variant alleles.
Comment: This variant is classified as Benign based on local population frequency. This variant was detected in 50% of patients studied by a panel of primary immunodeficiencies. Number of patients: 44. Only high quality variants are reported.

GeneDx
Classification: Benign. Last evaluated: 2018-06-23. Review status: criteria provided, single submitter. Criteria: GeneDx Variant Classification Process June 2021. Collection method: clinical testing. Allele origin: germline. Affected: yes.

Breakthrough Genomics
Classification: Benign. Review status: criteria provided, single submitter. Criteria: ACMG Guidelines, 2015. Collection method: not provided. Allele origin: germline. Inheritance: Autosomal recessive inheritance. Affected: yes.

NM_000215.4(JAK3):c.862-38A>C

Gene: JAK3 (Janus kinase 3; minus strand). Cytogenetic location: 19p13.11.
Variant type: single nucleotide variant.
Coding change: c.862-38A>C on transcript NM_000215.4 (MANE Select); 38 bases into the intron before coding-DNA position 862, A replaced by C.
Molecular consequence: intron variant.
Genome position (GRCh38, 1-based): chr19:17,841,800, T>G on the plus strand (A>C on the coding strand, the complement: JAK3 is on the minus strand). VCF-style: chr19-17841800-T-G. GRCh37 (hg19) VCF-style: chr19-17952609-T-G.
Identifiers: ClinVar variation 1264995 (VCV001264995.5), dbSNP rs3212730, ClinGen allele CA9302056.
Genomic context (GRCh38, chr19:17,841,800, plus strand): 5'-AAGTCGCAGAAGGGCTGGAGGACCTGGGAAGGAGGGGGAGTACCGAAGTGGGGGCCCAGC[T>G]GGACCCCGCCAAACCACGCCCATGAACCCACCCCCAAGCCACACCATCCACTCCCTATCC-3'